The following is an entry in ClinVar:

ClinVar aggregate classification (germline): Uncertain significance (1 of 4 stars; one submission).

Conditions:
Leigh syndrome (NULS). Also called: Leigh's syndrome; Leigh's necrotizing encephalopathy; Leigh's disease; Leigh Disease; Subacute necrotizing encephalopathy; Necrotizing encephalopathy infantile subacute of Leigh. Identifiers: Orphanet 506, MedGen C2931891, MONDO:0009723, OMIM 256000.

Allele frequency attached by ClinVar (database versions not stated): gnomAD exomes 0.00001.
gnomAD v4.1: 15 of 1,614,220 alleles (0.00093%); highest among the groups gnomAD compares: Non-Finnish European, 0.0013%; no homozygotes.

Submission:

Labcorp Genetics (formerly Invitae), Labcorp
Classification: Uncertain significance for Leigh syndrome. Last evaluated: 2022-03-20. Review status: criteria provided, single submitter. Criteria: Invitae Variant Classification Sherloc (09022015). Collection method: clinical testing. Allele origin: germline.
Comment: This sequence change replaces asparagine, which is neutral and polar, with aspartic acid, which is acidic and polar, at codon 221 of the SURF1 protein (p.Asn221Asp). This variant is not present in population databases (gnomAD no frequency). This variant has not been reported in the literature in individuals affected with SURF1-related conditions. Algorithms developed to predict the effect of missense changes on protein structure and function output the following: SIFT: "Tolerated"; PolyPhen-2: "Benign"; Align-GVGD: "Class C0". The aspartic acid amino acid residue is found in multiple mammalian species, which suggests that this missense change does not adversely affect protein function. In summary, the available evidence is currently insufficient to determine the role of this variant in disease. Therefore, it has been classified as a Variant of Uncertain Significance.

NM_003172.4(SURF1):c.661A>G (p.Asn221Asp)

Gene: SURF1 (SURF1 cytochrome c oxidase assembly factor; minus strand). Cytogenetic location: 9q34.2.
Variant type: single nucleotide variant.
Coding change: c.661A>G on transcript NM_003172.4 (MANE Select); coding-DNA position 661, A replaced by G.
Protein change: p.Asn221Asp; replaces asparagine 221 with aspartic acid.
Molecular consequence: missense variant.
Genome position (GRCh38, 1-based): chr9:133,352,536, T>C on the plus strand (A>G on the coding strand, the complement: SURF1 is on the minus strand). VCF-style: chr9-133352536-T-C. GRCh37 (hg19) VCF-style: chr9-136219391-T-C.
Other names: c.334A>G, p.Asn112Asp (NM_001280787.1); short protein forms N221D, N112D.
Identifiers: ClinVar variation 2115454 (VCV002115454.1), dbSNP rs2490616071, ClinGen allele CA375693790.
Genomic context (GRCh38, chr9:133,352,536, plus strand): 5'-CGCCTGTGATTCTGGCCATAGCTTCCAGGTCTCGATAATGCCAGTGGTTCCTTTCTGGAT[T>C]GTTCTCAGGGACAAAAGGCTGCCTGGTTTCTGTCAGCCTCACCATCCCAATGAGGTCCAC-3'
Protein context (NP_003163.1, residues 211-231): ETRQPFVPEN[Asn221Asp]PERNHWHYRD